The following is an entry in ClinVar:

NM_004727.3(SLC24A1):c.1801A>T (p.Lys601Ter)

Gene: SLC24A1 (solute carrier family 24 member 1; plus strand). Cytogenetic location: 15q22.31.
Variant type: single nucleotide variant.
Coding change: c.1801A>T on transcript NM_004727.3 (MANE Select); coding-DNA position 1801, A replaced by T.
Protein change: p.Lys601Ter; replaces lysine 601 with a stop codon.
Molecular consequence: nonsense.
Genome position (GRCh38, 1-based): chr15:65,625,881, A>T. VCF-style: chr15-65625881-A-T. GRCh37 (hg19) VCF-style: chr15-65918219-A-T.
Other names: c.1801A>T, p.Lys601Ter (NM_001301031.1, NM_001301032.1, NM_001301033.2); short protein forms K601*.
Identifiers: ClinVar variation 1451196 (VCV001451196.6), dbSNP rs2141473953, ClinGen allele CA392918683.

ClinVar aggregate classification (germline): Pathogenic (1 of 4 stars; one submission).

Submission:

Labcorp Genetics (formerly Invitae), Labcorp
Classification: Pathogenic. Last evaluated: 2022-02-24. Review status: criteria provided, single submitter. Criteria: Invitae Variant Classification Sherloc (09022015). Collection method: clinical testing. Allele origin: germline.
Comment: For these reasons, this variant has been classified as Pathogenic. This variant has not been reported in the literature in individuals affected with SLC24A1-related conditions. This variant is not present in population databases (gnomAD no frequency). This sequence change creates a premature translational stop signal (p.Lys601*) in the SLC24A1 gene. It is expected to result in an absent or disrupted protein product. Loss-of-function variants in SLC24A1 are known to be pathogenic (PMID: 20850105, 26822852).

Literature cited by the submitters: PubMed 20850105; PubMed 26822852.